The following is an entry in ClinVar:

ClinVar aggregate classification (germline): Benign/Likely benign. Review status: criteria provided, multiple submitters, no conflicts (2 of 4 stars). 8 submissions from 8 submitters: Benign (7); Likely benign (1). Last evaluated 2026-01-28.

Conditions:
Hereditary spherocytosis type 5. Also called: EPB42-Related Spherocytosis; EPB42-Related Hereditary Spherocytosis. Identifiers: Orphanet 822, MedGen C2675192, MONDO:0012985, OMIM 612690.

Allele frequency attached by ClinVar (database versions not stated): gnomAD 0.04817 and 0.05117; ESP Exome Variant Server 0.05421; TOPMed 0.05486; 1000 Genomes Project 0.05511; 1000 Genomes Project 30x 0.05778; gnomAD exomes 0.00544 and 0.01499; ExAC 0.01831.
gnomAD v4.1: 15,854 of 1,613,598 alleles (0.98%); highest among the groups gnomAD compares: African/African-American, 16%; 1,101 homozygotes.

Submissions (8):

Labcorp Genetics (formerly Invitae), Labcorp
Classification: Benign. Last evaluated: 2026-01-28. Review status: criteria provided, single submitter. Criteria: Invitae Variant Classification Sherloc (09022015). Collection method: clinical testing. Allele origin: germline.

ARUP Laboratories, Molecular Genetics and Genomics, ARUP Laboratories
Classification: Benign for Hereditary spherocytosis type 5. Last evaluated: 2025-07-25. Review status: criteria provided, single submitter. Criteria: ARUP Molecular Germline Variant Investigation Process 2024. Collection method: clinical testing. Allele origin: germline.

Blueprint Genetics
Classification: Likely benign. Last evaluated: 2024-11-25. Review status: criteria provided, single submitter. Criteria: ACMG Guidelines, 2015. Collection method: clinical testing. Allele origin: germline.

Mayo Clinic Laboratories, Mayo Clinic
Classification: Benign. Last evaluated: 2022-05-17. Review status: criteria provided, single submitter. Criteria: ACMG Guidelines, 2015. Collection method: clinical testing. Allele origin: germline. Observed: 154 variant alleles.
Comment: BS1, BS2

GeneDx
Classification: Benign. Last evaluated: 2018-11-11. Review status: criteria provided, single submitter. Criteria: GeneDx Variant Classification Process June 2021. Collection method: clinical testing. Allele origin: germline. Affected: yes.

Illumina Laboratory Services, Illumina
Classification: Benign for Hereditary spherocytosis type 5. Last evaluated: 2018-01-12. Review status: criteria provided, single submitter. Criteria: ICSL Variant Classification Criteria 13 December 2019. Collection method: clinical testing. Allele origin: germline.
Comment: This variant was observed in the ICSL laboratory as part of a predisposition screen in an ostensibly healthy population. It had not been previously curated by ICSL or reported in the Human Gene Mutation Database (HGMD: prior to June 1st, 2018), and was therefore a candidate for classification through an automated scoring system. Utilizing variant allele frequency, disease prevalence and penetrance estimates, and inheritance mode, an automated score was calculated to assess if this variant is too frequent to cause the disease. Based on the score and internal cut-off values, a variant classified as benign is not then subjected to further curation. The score for this variant resulted in a classification of benign for this disease.

Breakthrough Genomics
Classification: Benign. Review status: criteria provided, single submitter. Criteria: ACMG Guidelines, 2015. Collection method: not provided. Allele origin: germline. Inheritance: Unknown mechanism. Affected: yes.

PreventionGenetics, part of Exact Sciences
Classification: Benign. Review status: criteria provided, single submitter. Criteria: ACMG Guidelines, 2015. Collection method: clinical testing. Allele origin: germline.

NM_001114134.2(EPB42):c.833-4A>G

Gene: EPB42 (erythrocyte membrane protein band 4.2; minus strand). Cytogenetic location: 15q15.2.
Variant type: single nucleotide variant.
Coding change: c.833-4A>G on transcript NM_001114134.2 (MANE Select); 4 bases into the intron before coding-DNA position 833, A replaced by G.
Molecular consequence: intron variant.
Genome position (GRCh38, 1-based): chr15:43,208,779, T>C on the plus strand (A>G on the coding strand, the complement: EPB42 is on the minus strand). VCF-style: chr15-43208779-T-C. GRCh37 (hg19) VCF-style: chr15-43500977-T-C.
Other names: p.?; c.923-4A>G (NM_000119.3).
Identifiers: ClinVar variation 255157 (VCV000255157.32), dbSNP rs61343376, ClinGen allele CA7520486.
Genomic context (GRCh38, chr15:43,208,779, plus strand): 5'-CCTGTGCTGAGGCAAACGTGGTCACCACGCGGGCAGGGATTCCCAGGCATCGCAGCACTG[T>C]GAGAAGAGGGGCGGAGTGTCAGGGGGCGCTTGAGAGACCGGGCTGGGGGCGTGTGGGAGG-3'